The following is an entry in ClinVar:

NM_001903.5(CTNNA1):c.406dup (p.Thr136fs)

Gene: CTNNA1 (catenin alpha 1; plus strand). Cytogenetic location: 5q31.2.
Variant type: Duplication.
Coding change: c.406dup on transcript NM_001903.5 (MANE Select); coding-DNA position 406, one base duplicated (A; older notation c.406dupA).
Protein change: p.Thr136fs; shifts the reading frame from threonine 136.
Molecular consequence: frameshift variant.
Genome position (GRCh38, 1-based): chr5:138,810,142, A duplicated. VCF-style (leftmost placement, unchanged base first): chr5-138810141-T-TA. GRCh37 (hg19) VCF-style: chr5-138145830-T-TA.
Other names: c.406dup, p.Thr136fs (NM_001290307.3, NM_001323982.2, NM_001323983.1 and 3 more transcripts); c.97dup, p.Thr33fs (NM_001290309.3); c.37dup, p.Thr13fs (NM_001290310.3); short protein forms T136fs, T13fs, T33fs.
Identifiers: ClinVar variation 639104 (VCV000639104.14), dbSNP rs1581105774, ClinGen allele CA915942590.

ClinVar aggregate classification (germline): Pathogenic/Likely pathogenic. Review status: criteria provided, multiple submitters, no conflicts (2 of 4 stars). 4 submissions from 4 submitters: Pathogenic (3); Likely pathogenic (1). Last evaluated 2025-05-29.

Conditions:
Hereditary cancer-predisposing syndrome. Also called: Hereditary Cancer Syndrome; Neoplastic Syndromes, Hereditary; Tumor predisposition; Hereditary neoplastic syndrome. Identifiers: Orphanet 140162, MedGen C0027672, MeSH D009386, MONDO:0015356.
Patterned macular dystrophy 2. Identifiers: Orphanet 99001, MedGen C1837029, MONDO:0012162, OMIM 608970.
Hereditary diffuse gastric adenocarcinoma (HDGC). Also called: DIFFUSE GASTRIC AND LOBULAR BREAST CANCER SYNDROME. Identifiers: Orphanet 26106, MedGen C1708349, MONDO:0007648, OMIM 137215.

Submissions (4):

Ambry Genetics
Classification: Pathogenic for Hereditary cancer-predisposing syndrome. Last evaluated: 2025-05-29. Review status: criteria provided, single submitter. Criteria: Ambry Variant Classification Scheme 2023. Collection method: clinical testing. Allele origin: germline.
Comment: The c.406dupA pathogenic mutation, located in coding exon 3 of the CTNNA1 gene, results from a duplication of A at nucleotide position 406, causing a translational frameshift with a predicted alternate stop codon (p.T136Nfs*8). This variant is considered to be rare based on population cohorts in the Genome Aggregation Database (gnomAD). This alteration is expected to result in loss of function by premature protein truncation or nonsense-mediated mRNA decay. As such, this alteration is interpreted as a disease-causing mutation.

Labcorp Genetics (formerly Invitae), Labcorp
Classification: Pathogenic. Last evaluated: 2025-02-06. Review status: criteria provided, single submitter. Criteria: Invitae Variant Classification Sherloc (09022015). Collection method: clinical testing. Allele origin: germline.
Comment: This sequence change creates a premature translational stop signal (p.Thr136Asnfs*8) in the CTNNA1 gene. It is expected to result in an absent or disrupted protein product. Loss-of-function variants in CTNNA1 are known to be pathogenic (PMID: 32051609, 34425242). This variant is not present in population databases (gnomAD no frequency). This variant has not been reported in the literature in individuals affected with CTNNA1-related conditions. ClinVar contains an entry for this variant (Variation ID: 639104). For these reasons, this variant has been classified as Pathogenic.

Baylor Genetics
Classification: Likely pathogenic for Patterned macular dystrophy 2. Last evaluated: 2023-12-20. Review status: criteria provided, single submitter. Criteria: ACMG Guidelines, 2015. Collection method: clinical testing. Allele origin: unknown.

Myriad Genetics, Inc.
Classification: Pathogenic for Hereditary diffuse gastric adenocarcinoma. Last evaluated: 2023-04-03. Review status: criteria provided, single submitter. Criteria: Myriad Autosomal Dominant, Autosomal Recessive and X-Linked Classification Criteria (2023). Collection method: clinical testing. Allele origin: unknown.
Comment: This variant is considered pathogenic. This variant creates a frameshift predicted to result in premature protein truncation.

Literature cited by the submitters: PubMed 32051609 (cited by Labcorp Genetics (formerly Invitae), Labcorp); PubMed 34425242 (cited by Labcorp Genetics (formerly Invitae), Labcorp).